The following is an entry in ClinVar:

ClinVar aggregate classification (germline): Uncertain significance (1 of 4 stars; one submission).

Conditions:
Hajdu-Cheney syndrome (HJCYS). Also called: SERPENTINE FIBULA-POLYCYSTIC KIDNEY SYNDROME; Acroosteolysis dominant type; ACROOSTEOLYSIS WITH OSTEOPOROSIS AND CHANGES IN SKULL AND MANDIBLE. Identifiers: Orphanet 955, MedGen C0917715, MONDO:0007057, OMIM 102500.

Submission:

Labcorp Genetics (formerly Invitae), Labcorp
Classification: Uncertain significance for Hajdu-Cheney syndrome. Last evaluated: 2025-06-19. Review status: criteria provided, single submitter. Criteria: Invitae Variant Classification Sherloc (09022015). Collection method: clinical testing. Allele origin: germline.
Comment: This sequence change replaces glutamine, which is neutral and polar, with arginine, which is basic and polar, at codon 1080 of the NOTCH2 protein (p.Gln1080Arg). This variant is not present in population databases (gnomAD no frequency). This variant has not been reported in the literature in individuals affected with NOTCH2-related conditions. Invitae Evidence Modeling of protein sequence and biophysical properties (such as structural, functional, and spatial information, amino acid conservation, physicochemical variation, residue mobility, and thermodynamic stability) indicates that this missense variant is not expected to disrupt NOTCH2 protein function with a negative predictive value of 80%. In summary, the available evidence is currently insufficient to determine the role of this variant in disease. Therefore, it has been classified as a Variant of Uncertain Significance.

NM_024408.4(NOTCH2):c.3239A>G (p.Gln1080Arg)

Gene: NOTCH2 (notch receptor 2; minus strand). Cytogenetic location: 1p12.
Variant type: single nucleotide variant.
Coding change: c.3239A>G on transcript NM_024408.4 (MANE Select); coding-DNA position 3239, A replaced by G.
Protein change: p.Gln1080Arg; replaces glutamine 1080 with arginine.
Molecular consequence: missense variant.
Genome position (GRCh38, 1-based): chr1:119,937,955, T>C on the plus strand (A>G on the coding strand, the complement: NOTCH2 is on the minus strand). VCF-style: chr1-119937955-T-C. GRCh37 (hg19) VCF-style: chr1-120480578-T-C.
Other names: c.3239A>G, p.Gln1080Arg (NM_001200001.2); short protein forms Q1080R.
Identifiers: ClinVar variation 4690660 (VCV004690660.1).